The following is an entry in ClinVar:

ClinVar aggregate classification (germline): Uncertain significance. Review status: criteria provided, multiple submitters, no conflicts (2 of 4 stars). 3 submissions from 3 submitters: Uncertain significance (3). Last evaluated 2025-12-01.

Conditions:
Neuropathy, hereditary sensory and autonomic, type 2A (HSAN2A). Also called: ACROOSTEOLYSIS, GIACCAI TYPE; ACROOSTEOLYSIS, NEUROGENIC; MORVAN DISEASE; NEUROPATHY, CONGENITAL SENSORY; NEUROPATHY, HEREDITARY SENSORY RADICULAR, AUTOSOMAL RECESSIVE; NEUROPATHY, HEREDITARY SENSORY, TYPE IIA. Identifiers: Orphanet 970, MedGen C2752089, MONDO:0024309, OMIM 201300.
Generalized epilepsy with febrile seizures plus, type 7 (GEFSP7). Also called: GEFS+, TYPE 7. Identifiers: Orphanet 36387, MedGen C2751778, MONDO:0013470, OMIM 613863.

Allele frequency attached by ClinVar (database versions not stated): gnomAD exomes below 0.00001; TOPMed 0.00001.
gnomAD v4.1: 4 of 1,613,266 alleles (0.00025%); highest among the groups gnomAD compares: Non-Finnish European, 0.00034%; no homozygotes.

Submissions (3):

CeGaT Center for Human Genetics Tuebingen
Classification: Uncertain significance. Last evaluated: 2025-12-01. Review status: criteria provided, single submitter. Criteria: CeGaT Center For Human Genetics Tuebingen Variant Classification Criteria Version 2. Collection method: clinical testing. Allele origin: germline. Affected: yes. Observed: 1 variant allele.
Comment: SCN9A: PM2

Labcorp Genetics (formerly Invitae), Labcorp
Classification: Uncertain significance for Neuropathy, hereditary sensory and autonomic, type 2A; Generalized epilepsy with febrile seizures plus, type 7. Last evaluated: 2025-06-30. Review status: criteria provided, single submitter. Criteria: Invitae Variant Classification Sherloc (09022015). Collection method: clinical testing. Allele origin: germline.
Comment: This sequence change replaces histidine, which is basic and polar, with tyrosine, which is neutral and polar, at codon 273 of the SCN9A protein (p.His273Tyr). This variant is not present in population databases (gnomAD no frequency). This variant has not been reported in the literature in individuals affected with SCN9A-related conditions. ClinVar contains an entry for this variant (Variation ID: 2497881). Invitae Evidence Modeling of protein sequence and biophysical properties (such as structural, functional, and spatial information, amino acid conservation, physicochemical variation, residue mobility, and thermodynamic stability) indicates that this missense variant is not expected to disrupt SCN9A protein function with a negative predictive value of 95%. In summary, the available evidence is currently insufficient to determine the role of this variant in disease. Therefore, it has been classified as a Variant of Uncertain Significance.

GeneDx
Classification: Uncertain significance. Last evaluated: 2023-04-06. Review status: criteria provided, single submitter. Criteria: GeneDx Variant Classification Process June 2021. Collection method: clinical testing. Allele origin: germline. Affected: yes.
Comment: Not observed at significant frequency in large population cohorts (gnomAD); In silico analysis supports that this missense variant has a deleterious effect on protein structure/function; Has not been previously published as pathogenic or benign to our knowledge

NM_001365536.1(SCN9A):c.817C>T (p.His273Tyr)

Gene: SCN9A (sodium voltage-gated channel alpha subunit 9; minus strand). Cytogenetic location: 2q24.3.
Variant type: single nucleotide variant.
Coding change: c.817C>T on transcript NM_001365536.1 (MANE Select); coding-DNA position 817, C replaced by T.
Protein change: p.His273Tyr; replaces histidine 273 with tyrosine.
Molecular consequence: missense variant.
Genome position (GRCh38, 1-based): chr2:166,303,174, G>A on the plus strand (C>T on the coding strand, the complement: SCN9A is on the minus strand). VCF-style: chr2-166303174-G-A. GRCh37 (hg19) VCF-style: chr2-167159684-G-A.
Other names: c.817C>T, p.His273Tyr (NM_002977.4); short protein forms H273Y.
Identifiers: ClinVar variation 2497881 (VCV002497881.7), dbSNP rs1698632445, ClinGen allele CA349092678.